The following is an entry in ClinVar:

NM_138694.4(PKHD1):c.9070dup (p.Cys3024fs)

Gene: PKHD1 (PKHD1 ciliary IPT domain containing fibrocystin/polyductin; minus strand). Cytogenetic location: 6p12.3.
Variant type: Duplication.
Coding change: c.9070dup on transcript NM_138694.4 (MANE Select); coding-DNA position 9070, one base duplicated (T; older notation c.9070dupT).
Protein change: p.Cys3024fs; shifts the reading frame from cysteine 3024.
Molecular consequence: frameshift variant.
Genome position (GRCh38, 1-based): chr6:51,748,546, A duplicated on the plus strand (T on the coding strand, the reverse complement: PKHD1 is on the minus strand). VCF-style (leftmost placement, unchanged base first): chr6-51748545-C-CA. GRCh37 (hg19) VCF-style: chr6-51613343-C-CA.
Other names: c.9070dup, p.Cys3024fs (NM_170724.3); short protein forms C3024fs.
Identifiers: ClinVar variation 1076693 (VCV001076693.7), dbSNP rs2150986957, ClinGen allele CA2499218344.

ClinVar aggregate classification (germline): Pathogenic (1 of 4 stars; one submission).

Conditions:
Autosomal recessive polycystic kidney disease (ARPKD). Also called: AR polycystic kidney disease. Identifiers: Orphanet 731, Orphanet 8378, MedGen C0085548, MeSH D017044, MONDO:0009889.

Submission:

Labcorp Genetics (formerly Invitae), Labcorp
Classification: Pathogenic for Autosomal recessive polycystic kidney disease. Last evaluated: 2020-04-28. Review status: criteria provided, single submitter. Criteria: Invitae Variant Classification Sherloc (09022015). Collection method: clinical testing. Allele origin: germline.
Comment: This variant is not present in population databases (ExAC no frequency). For these reasons, this variant has been classified as Pathogenic. Loss-of-function variants in PKHD1 are known to be pathogenic (PMID: 19940839). This variant has not been reported in the literature in individuals with PKHD1-related conditions. This sequence change creates a premature translational stop signal (p.Cys3024Leufs*17) in the PKHD1 gene. It is expected to result in an absent or disrupted protein product.

Literature cited by the submitters: PubMed 19940839.